The following is an entry in ClinVar:

NM_001195263.2(PDZD7):c.1213G>C (p.Gly405Arg)

Gene: PDZD7 (PDZ domain containing 7; minus strand). Cytogenetic location: 10q24.31.
Variant type: single nucleotide variant.
Coding change: c.1213G>C on transcript NM_001195263.2 (MANE Select); coding-DNA position 1213, G replaced by C.
Protein change: p.Gly405Arg; replaces glycine 405 with arginine.
Molecular consequence: missense variant.
Genome position (GRCh38, 1-based): chr10:101,018,933, C>G on the plus strand (G>C on the coding strand, the complement: PDZD7 is on the minus strand). VCF-style: chr10-101018933-C-G. GRCh37 (hg19) VCF-style: chr10-102778690-C-G.
Other names: c.1213G>C, p.Gly405Arg (NM_001351044.2, NM_024895.5); short protein forms G405R.
Identifiers: ClinVar variation 1501389 (VCV001501389.8), dbSNP rs769641288, ClinGen allele CA378228524.

ClinVar aggregate classification (germline): Uncertain significance (1 of 4 stars; one submission).

Allele frequency attached by ClinVar (database versions not stated): TOPMed below 0.00001; gnomAD 0.00001.
gnomAD v4.1: 2 of 1,602,870 alleles (0.00012%); highest among the groups gnomAD compares: Admixed American, 0.0034%; no homozygotes.

Submission:

Labcorp Genetics (formerly Invitae), Labcorp
Classification: Uncertain significance. Last evaluated: 2022-10-13. Review status: criteria provided, single submitter. Criteria: Invitae Variant Classification Sherloc (09022015). Collection method: clinical testing. Allele origin: germline.
Comment: In summary, the available evidence is currently insufficient to determine the role of this variant in disease. Therefore, it has been classified as a Variant of Uncertain Significance. Advanced modeling of protein sequence and biophysical properties (such as structural, functional, and spatial information, amino acid conservation, physicochemical variation, residue mobility, and thermodynamic stability) performed at Invitae indicates that this missense variant is not expected to disrupt PDZD7 protein function. ClinVar contains an entry for this variant (Variation ID: 1501389). This variant has not been reported in the literature in individuals affected with PDZD7-related conditions. This variant is present in population databases (no rsID available, gnomAD 0.003%). This sequence change replaces glycine, which is neutral and non-polar, with arginine, which is basic and polar, at codon 405 of the PDZD7 protein (p.Gly405Arg).